The following is an entry in ClinVar:

ClinVar aggregate classification (germline): Uncertain significance. Review status: criteria provided, multiple submitters, no conflicts (2 of 4 stars). 3 submissions from 3 submitters: Uncertain significance (3). Last evaluated 2026-03-07.

Conditions:
Inborn genetic diseases. Identifiers: MedGen C0950123, MeSH D030342.
Brown-Vialetto-van Laere syndrome 2. Also called: Riboflavin transporter deficiency type 2; SPINOCEREBELLAR ATAXIA WITH BLINDNESS AND DEAFNESS 2. Identifiers: Orphanet 572543, Orphanet 97229, MedGen C3553538, MONDO:0013867, OMIM 614707.

Allele frequency attached by ClinVar (database versions not stated): ExAC 0.00007; gnomAD 0.00005; gnomAD exomes 0.00008; TOPMed 0.00008; ESP Exome Variant Server 0.00015.
gnomAD v4.1: 200 of 1,613,040 alleles (0.012%); highest among the groups gnomAD compares: Non-Finnish European, 0.014%; no homozygotes.

Submissions (3):

GeneDx
Classification: Uncertain significance. Last evaluated: 2026-03-07. Review status: criteria provided, single submitter. Criteria: GeneDx Variant Classification Process June 2021. Collection method: clinical testing. Allele origin: germline.
Comment: In silico analysis suggests that this missense variant does not alter protein structure/function; Has not been previously published as pathogenic or benign to our knowledge

Ambry Genetics
Classification: Uncertain significance for Inborn genetic diseases. Last evaluated: 2024-03-25. Review status: criteria provided, single submitter. Criteria: Ambry Variant Classification Scheme 2023. Collection method: clinical testing. Allele origin: germline.

Labcorp Genetics (formerly Invitae), Labcorp
Classification: Uncertain significance for Brown-Vialetto-van Laere syndrome 2. Last evaluated: 2022-08-23. Review status: criteria provided, single submitter. Criteria: Invitae Variant Classification Sherloc (09022015). Collection method: clinical testing. Allele origin: germline.
Comment: This sequence change replaces valine, which is neutral and non-polar, with methionine, which is neutral and non-polar, at codon 160 of the SLC52A2 protein (p.Val160Met). This variant is present in population databases (rs141953803, gnomAD 0.04%). This variant has not been reported in the literature in individuals affected with SLC52A2-related conditions. ClinVar contains an entry for this variant (Variation ID: 540428). Advanced modeling of protein sequence and biophysical properties (such as structural, functional, and spatial information, amino acid conservation, physicochemical variation, residue mobility, and thermodynamic stability) performed at Invitae indicates that this missense variant is not expected to disrupt SLC52A2 protein function. In summary, the available evidence is currently insufficient to determine the role of this variant in disease. Therefore, it has been classified as a Variant of Uncertain Significance.

NM_001363118.2(SLC52A2):c.478G>A (p.Val160Met)

Gene: SLC52A2 (solute carrier family 52 member 2; plus strand). Cytogenetic location: 8q24.3.
Variant type: single nucleotide variant.
Coding change: c.478G>A on transcript NM_001363118.2 (MANE Select); coding-DNA position 478, G replaced by A.
Protein change: p.Val160Met; replaces valine 160 with methionine.
Molecular consequence: missense variant. On other transcripts: non-coding transcript variant (1), intron variant (1).
Genome position (GRCh38, 1-based): chr8:144,359,970, G>A. VCF-style: chr8-144359970-G-A. GRCh37 (hg19) VCF-style: chr8-145583630-G-A.
Other names: c.478G>A, p.Val160Met (NM_001253815.2, NM_001253816.2, NM_001363120.2 and 2 more transcripts); c.131-145G>A (NM_001363122.2); short protein forms V160M.
Identifiers: ClinVar variation 540428 (VCV000540428.11), dbSNP rs141953803, ClinGen allele CA4938200.